The following is an entry in ClinVar:

ClinVar aggregate classification (germline): Uncertain significance (1 of 4 stars; one submission).

Conditions:
Ataxia-telangiectasia syndrome (AT). Also called: Ataxia-telangiectasia, complementation group D; AT, COMPLEMENTATION GROUP C; ATAXIA-TELANGIECTASIA, COMPLEMENTATION GROUP A; ATAXIA-TELANGIECTASIA, FRESNO VARIANT; Ataxia-telangiectasia; Ataxia-telangiectasia, complementation group E. Identifiers: Orphanet 100, MedGen C0004135, MONDO:0008840, OMIM 208900.

Submission:

Labcorp Genetics (formerly Invitae), Labcorp
Classification: Uncertain significance for Ataxia-telangiectasia syndrome. Last evaluated: 2025-10-27. Review status: criteria provided, single submitter. Criteria: Invitae Variant Classification Sherloc (09022015). Collection method: clinical testing. Allele origin: germline.
Comment: This variant, c.7332_7343del, results in the deletion of 4 amino acid(s) of the ATM protein (p.Glu2444_Leu2447del), but otherwise preserves the integrity of the reading frame. This variant is not present in population databases (gnomAD no frequency). This variant has not been reported in the literature in individuals affected with ATM-related conditions. Experimental studies and prediction algorithms are not available or were not evaluated, and the functional significance of this variant is currently unknown. In summary, the available evidence is currently insufficient to determine the role of this variant in disease. Therefore, it has been classified as a Variant of Uncertain Significance.

NM_000051.4(ATM):c.7332_7343del (p.Glu2444_Leu2447del)

Genes: ATM (ATM serine/threonine kinase; plus strand), C11orf65 (chromosome 11 open reading frame 65; minus strand). Cytogenetic location: 11q22.3.
Variant type: Deletion.
Coding change: c.7332_7343del on transcript NM_000051.4 (MANE Select); coding-DNA positions 7332 to 7343, 12 bases deleted (GCTGGAGTTGGA).
Protein change: p.Glu2444_Leu2447del.
Molecular consequence: inframe deletion. On other transcripts: intron variant (2).
Genome position (GRCh38, 1-based): chr11:108,330,238-108,330,249, GCTGGAGTTGGA deleted; deleting any 12 consecutive bases within chr11:108,330,236-108,330,249 gives the same sequence; the c. name uses the placement nearest the transcript's 3' end. VCF-style (leftmost placement, unchanged base first): chr11-108330235-AGAGCTGGAGTTG-A. GRCh37 (hg19) VCF-style: chr11-108200962-AGAGCTGGAGTTG-A.
Other names: c.7332_7343del, p.Glu2444_Leu2447del (NM_001351834.2); c.641-21176_641-21165del (NM_001330368.2); c.*38+4973_*38+4984del (NM_001351110.2).
Identifiers: ClinVar variation 4729995 (VCV004729995.1).